The following is an entry in ClinVar:

NM_002617.4(PEX10):c.601-36A>T

Gene: PEX10 (peroxisomal biogenesis factor 10; minus strand). Cytogenetic location: 1p36.32.
Variant type: single nucleotide variant.
Coding change: c.601-36A>T on transcript NM_002617.4 (MANE Select); 36 bases into the intron before coding-DNA position 601, A replaced by T.
Molecular consequence: intron variant. On other transcripts: missense variant (3).
Genome position (GRCh38, 1-based): chr1:2,406,931, T>A on the plus strand (A>T on the coding strand, the complement: PEX10 is on the minus strand). VCF-style: chr1-2406931-T-A. GRCh37 (hg19) VCF-style: chr1-2338370-T-A.
Other names: c.622A>T, p.Arg208Trp (NM_001374425.1); c.190A>T, p.Arg64Trp (NM_001374426.1); c.625A>T, p.Arg209Trp (NM_153818.2); c.169-36A>T (NM_001374427.1); short protein forms R209W, R208W, R64W.
Identifiers: ClinVar variation 1364163 (VCV001364163.5), dbSNP rs891345902, ClinGen allele CA16943113.

ClinVar aggregate classification (germline): Uncertain significance (1 of 4 stars; one submission).

Conditions:
Peroxisome biogenesis disorder, complementation group 7 (CG7). Also called: Peroxisome biogenesis disorder, complementation group B. Identifiers: MedGen C1864399.

Allele frequency attached by ClinVar (database versions not stated): gnomAD 0.00001; TOPMed 0.00001.
gnomAD v4.1: 3 of 1,596,864 alleles (0.00019%); highest among the groups gnomAD compares: East Asian, 0.0023%; no homozygotes.

Submission:

Labcorp Genetics (formerly Invitae), Labcorp
Classification: Uncertain significance for Peroxisome biogenesis disorder, complementation group 7. Last evaluated: 2025-11-10. Review status: criteria provided, single submitter. Criteria: Invitae Variant Classification Sherloc (09022015). Collection method: clinical testing. Allele origin: germline.
Comment: This sequence change replaces arginine, which is basic and polar, with tryptophan, which is neutral and slightly polar, at codon 209 of the PEX10 protein (p.Arg209Trp). This variant is not present in population databases (gnomAD no frequency). This variant has not been reported in the literature in individuals affected with PEX10-related conditions. ClinVar contains an entry for this variant (Variation ID: 1364163). An algorithm developed to predict the effect of missense changes on protein structure and function outputs the following: PolyPhen-2: "Benign". The tryptophan amino acid residue is found in multiple mammalian species, which suggests that this missense change does not adversely affect protein function. In summary, the available evidence is currently insufficient to determine the role of this variant in disease. Therefore, it has been classified as a Variant of Uncertain Significance.